The following is an entry in ClinVar:

NM_001035.3(RYR2):c.7697G>A (p.Arg2566Gln)

Gene: RYR2 (ryanodine receptor 2; plus strand). Cytogenetic location: 1q43.
Variant type: single nucleotide variant.
Coding change: c.7697G>A on transcript NM_001035.3 (MANE Select); coding-DNA position 7697, G replaced by A.
Protein change: p.Arg2566Gln; replaces arginine 2566 with glutamine.
Molecular consequence: missense variant.
Genome position (GRCh38, 1-based): chr1:237,650,061, G>A. VCF-style: chr1-237650061-G-A. GRCh37 (hg19) VCF-style: chr1-237813361-G-A.
Other names: c.7697G>A, p.Arg2566Gln (LRG_402t1); short protein forms R2566Q.
Identifiers: ClinVar variation 426356 (VCV000426356.6), dbSNP rs532016557, ClinGen allele CA087447.

ClinVar aggregate classification (germline): Uncertain significance. Review status: criteria provided, multiple submitters, no conflicts (2 of 4 stars). 3 submissions from 3 submitters: Uncertain significance (3). Last evaluated 2022-12-24.

Conditions:
Catecholaminergic polymorphic ventricular tachycardia 1. Also called: RYR2-Related Catecholaminergic Polymorphic Ventricular Tachycardia; VENTRICULAR TACHYCARDIA, STRESS-INDUCED POLYMORPHIC 1; VENTRICULAR TACHYCARDIA, CATECHOLAMINERGIC POLYMORPHIC, 1, WITH OR WITHOUT ATRIAL DYSFUNCTION AND/OR DILATED CARDIOMYOPATHY. Identifiers: Orphanet 3286, MedGen C1631597, MONDO:0011484, OMIM 604772.

Allele frequency attached by ClinVar (database versions not stated): TOPMed below 0.00001; gnomAD 0.00006.
gnomAD v4.1: 20 of 1,613,834 alleles (0.0012%); highest among the groups gnomAD compares: East Asian, 0.0022%; no homozygotes.

Submissions (3):

Labcorp Genetics (formerly Invitae), Labcorp
Classification: Uncertain significance for Catecholaminergic polymorphic ventricular tachycardia 1. Last evaluated: 2022-12-24. Review status: criteria provided, single submitter. Criteria: Invitae Variant Classification Sherloc (09022015). Collection method: clinical testing. Allele origin: germline.
Comment: In summary, the available evidence is currently insufficient to determine the role of this variant in disease. Therefore, it has been classified as a Variant of Uncertain Significance. Advanced modeling of protein sequence and biophysical properties (such as structural, functional, and spatial information, amino acid conservation, physicochemical variation, residue mobility, and thermodynamic stability) performed at Invitae indicates that this missense variant is expected to disrupt RYR2 protein function. ClinVar contains an entry for this variant (Variation ID: 426356). This variant has not been reported in the literature in individuals affected with RYR2-related conditions. This variant is present in population databases (rs532016557, gnomAD 0.005%). This sequence change replaces arginine, which is basic and polar, with glutamine, which is neutral and polar, at codon 2566 of the RYR2 protein (p.Arg2566Gln).

AiLife Diagnostics
Classification: Uncertain significance. Last evaluated: 2022-02-08. Review status: criteria provided, single submitter. Criteria: ACMG Guidelines, 2015. Collection method: clinical testing. Allele origin: germline. Affected: yes. Observed: 1 variant allele.

GeneDx
Classification: Uncertain significance. Last evaluated: 2019-05-16. Review status: criteria provided, single submitter. Criteria: GeneDx Variant Classification Process June 2021. Collection method: clinical testing. Allele origin: germline. Affected: yes.
Comment: Not observed at a significant frequency in large population cohorts (Lek et al., 2016); In silico analysis, which includes protein predictors and evolutionary conservation, supports a deleterious effect; Has not been previously published as pathogenic or benign to our knowledge